The following is an entry in ClinVar:

NM_001164508.2(NEB):c.19903G>T (p.Asp6635Tyr)

Gene: NEB (nebulin; minus strand). Cytogenetic location: 2q23.3.
Variant type: single nucleotide variant.
Coding change: c.19903G>T on transcript NM_001164508.2 (MANE Select); coding-DNA position 19903, G replaced by T.
Protein change: p.Asp6635Tyr; replaces aspartic acid 6635 with tyrosine.
Molecular consequence: missense variant.
Genome position (GRCh38, 1-based): chr2:151,551,779, C>A on the plus strand (G>T on the coding strand, the complement: NEB is on the minus strand). VCF-style: chr2-151551779-C-A. GRCh37 (hg19) VCF-style: chr2-152408293-C-A.
Other names: c.19903G>T, p.Asp6635Tyr (NM_001164507.2, NM_001271208.2); c.14800G>T, p.Asp4934Tyr (NM_004543.5); short protein forms D6635Y, D4934Y.
Identifiers: ClinVar variation 1031954 (VCV001031954.1), dbSNP rs534519331, ClinGen allele CA348787217.

ClinVar aggregate classification (germline): Uncertain significance (1 of 4 stars; one submission).

Conditions:
Nemaline myopathy 2 (NEM2). Also called: Nemaline myopathy 2, autosomal recessive. Identifiers: MedGen C1850569, MONDO:0009725, OMIM 256030.

Submission:

Baylor Genetics
Classification: Uncertain significance for Nemaline myopathy 2. Last evaluated: 2018-09-28. Review status: criteria provided, single submitter. Criteria: ACMG Guidelines, 2015. Collection method: clinical testing. Allele origin: unknown. Affected: yes.
Comment: This variant was determined to be of uncertain significance according to ACMG Guidelines, 2015 [PMID:25741868].